The following is an entry in ClinVar:

ClinVar aggregate classification (germline): Uncertain significance. Review status: criteria provided, multiple submitters, no conflicts (2 of 4 stars). 2 submissions from 2 submitters: Uncertain significance (2). Last evaluated 2026-06-24.

Conditions:
NBAS-related disorder. Also called: NBAS-related condition.

Allele frequency attached by ClinVar (database versions not stated): TOPMed below 0.00001; gnomAD 0.00001.
gnomAD v4.1: 3 of 1,610,642 alleles (0.00019%); highest among the groups gnomAD compares: African/African-American, 0.004%; no homozygotes.

Submissions (2):

PreventionGenetics, part of Exact Sciences
Classification: Uncertain significance for NBAS-related condition. Last evaluated: 2026-06-24. Review status: criteria provided, single submitter. Criteria: ACMG Guidelines, 2015. Collection method: clinical testing. Allele origin: germline.
Comment: The NBAS c.3818G>A variant is predicted to result in the amino acid substitution p.Gly1273Asp. To our knowledge, this variant has not been reported in the literature. This variant is reported in 0.0080% of alleles in individuals of African descent in gnomAD. At this time, the clinical significance of this variant is uncertain due to the absence of conclusive functional and genetic evidence.

Labcorp Genetics (formerly Invitae), Labcorp
Classification: Uncertain significance. Last evaluated: 2021-10-20. Review status: criteria provided, single submitter. Criteria: Invitae Variant Classification Sherloc (09022015). Collection method: clinical testing. Allele origin: germline.
Comment: This sequence change replaces glycine with aspartic acid at codon 1273 of the NBAS protein (p.Gly1273Asp). The glycine residue is highly conserved and there is a moderate physicochemical difference between glycine and aspartic acid. This variant is not present in population databases (ExAC no frequency). This variant has not been reported in the literature in individuals affected with NBAS-related conditions. Algorithms developed to predict the effect of missense changes on protein structure and function output the following: SIFT: "Deleterious"; PolyPhen-2: "Benign"; Align-GVGD: "Class C65". The aspartic acid amino acid residue is found in multiple mammalian species, which suggests that this missense change does not adversely affect protein function. In summary, the available evidence is currently insufficient to determine the role of this variant in disease. Therefore, it has been classified as a Variant of Uncertain Significance.

NM_015909.4(NBAS):c.3818G>A (p.Gly1273Asp)

Gene: NBAS (NBAS subunit of NRZ tethering complex; minus strand). Cytogenetic location: 2p24.3.
Variant type: single nucleotide variant.
Coding change: c.3818G>A on transcript NM_015909.4 (MANE Select); coding-DNA position 3818, G replaced by A.
Protein change: p.Gly1273Asp; replaces glycine 1273 with aspartic acid.
Molecular consequence: missense variant. On other transcripts: non-coding transcript variant (1).
Genome position (GRCh38, 1-based): chr2:15,356,416, C>T on the plus strand (G>A on the coding strand, the complement: NBAS is on the minus strand). VCF-style: chr2-15356416-C-T. GRCh37 (hg19) VCF-style: chr2-15496540-C-T.
Other names: c.3818G>A (NM_015909.3); short protein forms G1273D.
Identifiers: ClinVar variation 1524891 (VCV001524891.4), dbSNP rs1343440024, ClinGen allele CA345892441.